The following is an entry in ClinVar:

NM_000138.5(FBN1):c.451G>C (p.Glu151Gln)

Gene: FBN1 (fibrillin 1; minus strand). Cytogenetic location: 15q21.1.
Variant type: single nucleotide variant.
Coding change: c.451G>C on transcript NM_000138.5 (MANE Select); coding-DNA position 451, G replaced by C.
Protein change: p.Glu151Gln; replaces glutamic acid 151 with glutamine.
Molecular consequence: missense variant.
Genome position (GRCh38, 1-based): chr15:48,596,370, C>G on the plus strand (G>C on the coding strand, the complement: FBN1 is on the minus strand). VCF-style: chr15-48596370-C-G. GRCh37 (hg19) VCF-style: chr15-48888567-C-G.
Other names: short protein forms E151Q.
Identifiers: ClinVar variation 1332450 (VCV001332450.6), dbSNP rs1180715983, ClinGen allele CA392446401.
Genomic context (GRCh38, chr15:48,596,370, plus strand): 5'-CGTAAGTGCATGCACATCGATTTGGGGCCACACACCTTCCTCCATTGAGACAGCCACTTT[C>G]ACAAACAGCTGTAAAATAAGGAGAGAGCTGAGACGCTTTACCTGAAAATAAATGCTAATG-3'
Protein context (NP_000129.3, residues 141-161): IGTHCGQPVC[Glu151Gln]SGCLNGGRCV

ClinVar aggregate classification (germline): Uncertain significance. Review status: criteria provided, multiple submitters, no conflicts (2 of 4 stars). 4 submissions from 4 submitters: Uncertain significance (4). Last evaluated 2024-03-07.

Conditions:
Familial thoracic aortic aneurysm and aortic dissection (TAAD). Also called: Thoracic aortic aneurysms and dissections. Identifiers: Orphanet 91387, MedGen C4707243, MONDO:0019625.
Geleophysic dysplasia 2 (GPHYSD2). Identifiers: Orphanet 2623, MedGen C3280054, MONDO:0013612, OMIM 614185.
Acromicric dysplasia (ACMICD). Also called: Acromicric skeletal dysplasia. Identifiers: Orphanet 969, MedGen C0265287, MONDO:0007055, OMIM 102370.
Weill-Marchesani syndrome 2, dominant. Also called: FBN1-Related Weill-Marchesani Syndrome; Weill-Marchesani Syndrome, Autosomal Dominant. Identifiers: Orphanet 2084, MedGen C1869115, MONDO:0012013, OMIM 608328.
Marfan syndrome (MFS). Also called: Marfan syndrome type 1; Marfan's syndrome; FBN1-Related Marfan Syndrome; MARFAN SYNDROME, TYPE I; Marfan syndrome, classic. Identifiers: Orphanet 284963, Orphanet 558, MedGen C0024796, MONDO:0007947, OMIM 154700.
Ectopia lentis 1, isolated, autosomal dominant (ECTOL1). Identifiers: Orphanet 1885, MedGen C3541518, MONDO:0007514, OMIM 129600.
Progeroid and marfanoid aspect-lipodystrophy syndrome. Also called: MARFANOID-PROGEROID-LIPODYSTROPHY SYNDROME; MARFANOID-PROGEROID SYNDROME; MARFAN-PROGEROID-LIPODYSTROPHY SYNDROME; Marfan lipodystrophy syndrome. Identifiers: Orphanet 300382, MedGen C4310796, MONDO:0014831, OMIM 616914.
Stiff skin syndrome (SSKS). Identifiers: Orphanet 2833, MedGen C1861456, MONDO:0008492, OMIM 184900.
MASS syndrome (OCTD). Also called: MASS PHENOTYPE; OVERLAP CONNECTIVE TISSUE DISEASE. Identifiers: MedGen C1858556, MONDO:0011431, OMIM 604308.

Allele frequency attached by ClinVar (database versions not stated): gnomAD exomes below 0.00001; gnomAD 0.00001.
gnomAD v4.1: 4 of 1,613,846 alleles (0.00025%); highest among the groups gnomAD compares: African/African-American, 0.004%; no homozygotes.

Submissions (4):

Color Diagnostics, LLC DBA Color Health
Classification: Uncertain significance for Familial thoracic aortic aneurysm and aortic dissection. Last evaluated: 2024-03-07. Review status: criteria provided, single submitter. Criteria: ACMG Guidelines, 2015. Collection method: clinical testing. Allele origin: germline.
Comment: This missense variant replaces glutamic acid with glutamine at codon 151 of the FBN1 protein. Computational prediction suggests that this variant may not impact protein structure and function (internally defined REVEL score threshold <= 0.5, PMID: 27666373). To our knowledge, functional studies have not been reported for this variant. This variant has not been reported in individuals affected with cardiovascular disorders in the literature. This variant has been identified in 1/31402 chromosomes in the general population by the Genome Aggregation Database (gnomAD). The available evidence is insufficient to determine the role of this variant in disease conclusively. Therefore, this variant is classified as a Variant of Uncertain Significance.

GeneDx
Classification: Uncertain significance. Last evaluated: 2022-10-19. Review status: criteria provided, single submitter. Criteria: GeneDx Variant Classification Process June 2021. Collection method: clinical testing. Allele origin: germline. Affected: yes.
Comment: Not observed at significant frequency in large population cohorts (gnomAD); In silico analysis supports that this missense variant does not alter protein structure/function; Has not been previously published as pathogenic or benign to our knowledge; Although located in a calcium-binding EGF-like domain of the FBN1 gene, it does not affect a cysteine residue within this domain; cysteine substitutions in the calcium-binding EGF-like domains represent the majority of pathogenic missense changes associated with FBN1-related disorders (Collod-Beroud et al., 2003); This variant is associated with the following publications: (PMID: 12938084)

Fulgent Genetics
Classification: Uncertain significance for Acromicric dysplasia; Ectopia lentis 1, isolated, autosomal dominant; Marfan syndrome; Stiff skin syndrome; MASS syndrome; Weill-Marchesani syndrome 2, dominant; Geleophysic dysplasia 2; Progeroid and marfanoid aspect-lipodystrophy syndrome. Last evaluated: 2021-09-20. Review status: criteria provided, single submitter. Criteria: ACMG Guidelines, 2015. Collection method: clinical testing. Allele origin: unknown.

Blueprint Genetics
Classification: Uncertain significance. Last evaluated: 2021-03-31. Review status: criteria provided, single submitter. Criteria: ACMG Guidelines, 2015. Collection method: clinical testing. Allele origin: germline.